The following is an entry in ClinVar:

ClinVar aggregate classification (germline): Uncertain significance. Review status: criteria provided, multiple submitters, no conflicts (2 of 4 stars). 3 submissions from 3 submitters: Uncertain significance (3). Last evaluated 2025-12-01.

Conditions:
Charcot-Marie-Tooth disease axonal type 2C (HMSN2C). Also called: CHARCOT-MARIE-TOOTH DISEASE, AXONAL, AUTOSOMAL DOMINANT, TYPE 2C; Charcot-Marie-Tooth Neuropathy Type 2C; Charcot-Marie-Tooth Disease Type 2, TRPV4-Related (CMT2C). Identifiers: Orphanet 99937, MedGen C1853710, MONDO:0011633, OMIM 606071.
Brachyrachia (short spine dysplasia) (BCYM3). Also called: Brachyolmia Type 3; BRACHYRACHIA; Autosomal dominant brachyolmia; Brachyolmia, TRPV4-Related. Identifiers: Orphanet 93304, MedGen C0432227, MONDO:0007232, OMIM 113500.
Avascular necrosis of femoral head, primary, 2 (ANFH2). Identifiers: MedGen C4479260, MONDO:0054551, OMIM 617383.
Spondylometaphyseal dysplasia, Kozlowski type (SMDK). Also called: Dysmorphism arthrogryposis skeletal maturation advanced; Jequier-Kozlowski syndrome; Skeletal dysplasia Jequier-Kozlowski type; SMD Kozlowski type; Spondylometaphyseal Dysplasia, TRPV4-Related (Kozlowski Type). Identifiers: Orphanet 93314, MedGen C0265280, MONDO:0008477, OMIM 184252.
Sodium serum level quantitative trait locus 1 (SSQTL1). Identifiers: MedGen C3150755, OMIM 613508.
Spondyloepimetaphyseal dysplasia, Maroteaux type (SEDM). Also called: PSEUDO-MORQUIO SYNDROME, TYPE 2; SED, MAROTEAUX TYPE; Spondyloepimetaphyseal Dysplasia, TRPV4-Related (Maroteaux Type). Identifiers: Orphanet 263482, MedGen C3159322, MONDO:0008473, OMIM 184095.
Neuronopathy, distal hereditary motor, autosomal dominant 8. Also called: SPINAL MUSCULAR ATROPHY, CONGENITAL BENIGN, WITH CONTRACTURES; NEURONOPATHY, DISTAL HEREDITARY MOTOR, TYPE VIII; NEUROPATHY, DISTAL HEREDITARY MOTOR, TYPE VIII; Autosomal dominant congenital benign spinal muscular atrophy. Identifiers: Orphanet 1216, MedGen C1838492, MONDO:0010839, OMIM 600175.
Familial digital arthropathy-brachydactyly. Identifiers: Orphanet 85169, MedGen C1847406, MONDO:0011732, OMIM 606835.
Metatropic dysplasia (MTD). Also called: Metatropic dysplasia, nonlethal dominant; Metatropic Dysplasia, TRPV4-Related; METATROPIC DWARFISM. Identifiers: Orphanet 2635, MedGen C0265281, MONDO:0007986, OMIM 156530.
Parastremmatic dwarfism. Identifiers: Orphanet 2646, MedGen C1868616, MONDO:0008196, OMIM 168400.
Scapuloperoneal spinal muscular atrophy (SPSMA). Also called: AMYOTROPHY, NEUROGENIC SCAPULOPERONEAL, NEW ENGLAND TYPE; Scapuloperoneal Form of Spinal Muscular Atrophy; Scapuloperoneal Spinal Muscular Atrophy, TRPV4-Related; Scapuloperoneal spinal muscular atrophy, autosomal dominant. Identifiers: Orphanet 431255, MedGen C0751335, MONDO:0008408, OMIM 181405.

Allele frequency attached by ClinVar (database versions not stated): gnomAD exomes below 0.00001; gnomAD 0.00002 and 0.00004; TOPMed 0.00002; ESP Exome Variant Server 0.00008.

Submissions (3):

Labcorp Genetics (formerly Invitae), Labcorp
Classification: Uncertain significance for Charcot-Marie-Tooth disease axonal type 2C. Last evaluated: 2025-12-01. Review status: criteria provided, single submitter. Criteria: Invitae Variant Classification Sherloc (09022015). Collection method: clinical testing. Allele origin: germline.
Comment: This sequence change creates a premature translational stop signal (p.Arg64*) in the TRPV4 gene. It is expected to result in an absent or disrupted protein product. However, the current clinical and genetic evidence is not sufficient to establish whether loss-of-function variants in TRPV4 cause disease. This variant is present in population databases (rs372452565, gnomAD 0.003%). This variant has not been reported in the literature in individuals affected with TRPV4-related conditions. ClinVar contains an entry for this variant (Variation ID: 1064181). Algorithms developed to predict the effect of sequence changes on RNA splicing suggest that this variant may create or strengthen a splice site. In summary, the available evidence is currently insufficient to determine the role of this variant in disease. Therefore, it has been classified as a Variant of Uncertain Significance.

CeGaT Center for Human Genetics Tuebingen
Classification: Uncertain significance. Last evaluated: 2025-03-01. Review status: criteria provided, single submitter. Criteria: CeGaT Center For Human Genetics Tuebingen Variant Classification Criteria Version 2. Collection method: clinical testing. Allele origin: germline. Affected: yes. Observed: 1 variant allele.
Comment: TRPV4: PM2:Supporting

Fulgent Genetics
Classification: Uncertain significance for Brachyrachia (short spine dysplasia); Metatropic dysplasia; Parastremmatic dwarfism; Scapuloperoneal spinal muscular atrophy; Spondyloepimetaphyseal dysplasia, Maroteaux type; Spondylometaphyseal dysplasia, Kozlowski type; Neuronopathy, distal hereditary motor, autosomal dominant 8; Charcot-Marie-Tooth disease axonal type 2C; Familial digital arthropathy-brachydactyly; Sodium serum level quantitative trait locus 1; Avascular necrosis of femoral head, primary, 2. Last evaluated: 2021-10-08. Review status: criteria provided, single submitter. Criteria: ACMG Guidelines, 2015. Collection method: clinical testing. Allele origin: unknown.

NM_021625.5(TRPV4):c.190C>T (p.Arg64Ter)

Gene: TRPV4 (transient receptor potential cation channel subfamily V member 4; minus strand). Cytogenetic location: 12q24.11.
Variant type: single nucleotide variant.
Coding change: c.190C>T on transcript NM_021625.5 (MANE Select); coding-DNA position 190, C replaced by T.
Protein change: p.Arg64Ter; replaces arginine 64 with a stop codon.
Molecular consequence: nonsense.
Genome position (GRCh38, 1-based): chr12:109,814,607, G>A on the plus strand (C>T on the coding strand, the complement: TRPV4 is on the minus strand). VCF-style: chr12-109814607-G-A. GRCh37 (hg19) VCF-style: chr12-110252412-G-A.
Other names: c.190C>T, p.Arg64Ter (NM_001177428.2, NM_001177433.2, NM_147204.3); c.88C>T, p.Arg30Ter (NM_001177431.2); short protein forms R30*, R64*.
Identifiers: ClinVar variation 1064181 (VCV001064181.15), dbSNP rs372452565, ClinGen allele CA243478881.